The following is an entry in ClinVar:

NM_006514.4(SCN10A):c.367G>A (p.Ala123Thr)

Gene: SCN10A (sodium voltage-gated channel alpha subunit 10; minus strand). Cytogenetic location: 3p22.2.
Variant type: single nucleotide variant.
Coding change: c.367G>A on transcript NM_006514.4 (MANE Select); coding-DNA position 367, G replaced by A.
Protein change: p.Ala123Thr; replaces alanine 123 with threonine.
Molecular consequence: missense variant.
Genome position (GRCh38, 1-based): chr3:38,792,072, C>T on the plus strand (G>A on the coding strand, the complement: SCN10A is on the minus strand). VCF-style: chr3-38792072-C-T. GRCh37 (hg19) VCF-style: chr3-38833563-C-T.
Other names: c.367G>A, p.Ala123Thr (NM_001293306.2, NM_001293307.2); short protein forms A123T.
Identifiers: ClinVar variation 3356475 (VCV003356475.1).

ClinVar aggregate classification (germline): Uncertain significance (0 of 4 stars; one submission).

Conditions:
SCN10A-related disorder. Also called: SCN10A-related condition.

Submission:

PreventionGenetics, part of Exact Sciences
Classification: Uncertain significance for SCN10A-related condition. Last evaluated: 2024-06-16. Review status: no assertion criteria provided. Collection method: clinical testing. Allele origin: germline.
Comment: The SCN10A c.367G>A variant is predicted to result in the amino acid substitution p.Ala123Thr. To our knowledge, this variant has not been reported in the literature or in a large population database, indicating this variant is rare. At this time, the clinical significance of this variant is uncertain due to the absence of conclusive functional and genetic evidence.